The following is an entry in ClinVar:

ClinVar aggregate classification (germline): Likely pathogenic (1 of 4 stars; one submission).

Conditions:
Amelogenesis imperfecta hypomaturation type 2A3. Also called: Amelogenesis imperfecta, type IIA3. Identifiers: Orphanet 88661, MedGen C2750771, MONDO:0013181, OMIM 613211. Disease mechanism: loss of function.

Submission:

Juno Genomics, Hangzhou Juno Genomics, Inc
Classification: Likely pathogenic for Amelogenesis imperfecta hypomaturation type 2A3. Review status: criteria provided, single submitter. Criteria: ACMG Guidelines, 2015. Collection method: clinical testing. Allele origin: germline.
Comment: Null variant in a gene where loss of function (LOF) is a known mechanism of disease.;Absent from controls (or at extremely low frequency if recessive) in Genome Aggregation Database.

NM_182758.4(WDR72):c.2524_2525insAA (p.Met842fs)

Gene: WDR72 (WD repeat domain 72; minus strand). Cytogenetic location: 15q21.3.
Variant type: Insertion.
Coding change: c.2524_2525insAA on transcript NM_182758.4 (MANE Select); coding-DNA positions 2524 to 2525, AA inserted.
Protein change: p.Met842fs; shifts the reading frame from methionine 842.
Molecular consequence: frameshift variant. On other transcripts: non-coding transcript variant (1).
Genome position: GRCh38 VCF-style: chr15-53615681-A-ATT. GRCh37 (hg19) VCF-style: chr15-53907878-A-ATT.
Other names: short protein forms M842fs.
Identifiers: ClinVar variation 5005434 (VCV005005434.2).